The following is an entry in ClinVar:

ClinVar aggregate classification (germline): Likely pathogenic (1 of 4 stars; one submission).

Conditions:
Polymicrogyria, perisylvian, with cerebellar hypoplasia and arthrogryposis (NEDSPLB). Identifiers: MedGen C4225295, MONDO:0014679, OMIM 616531.

gnomAD v4.1: 3 of 1,612,884 alleles (0.00019%); highest among the groups gnomAD compares: Non-Finnish European, 0.00025%; no homozygotes.

Submission:

Wales Gene Park, Division Of Cancer and Genetics, Cardiff University
Classification: Likely pathogenic for Polymicrogyria, perisylvian, with cerebellar hypoplasia and arthrogryposis. Last evaluated: 2026-04-28. Review status: criteria provided, single submitter. Criteria: ACGS Best Practice Guidelines for Variant Classification in Rare Disease 2024. Collection method: research. Allele origin: inherited. Inheritance: Autosomal recessive inheritance. Affected: yes. Study: 100,000 Genomes Project (Wales).
Comment: Inherited PI4KA missense variant detected by trio genome sequencing. Low frequency in gnomAD (v4.1.1). REVEL score 0.793. Constrained gene (gnomAD missense Z score 6.48). Found in trans to a pathogenic variant (p.Val110CysfsTer4). Evidence codes: PM2, PM3, PP3, PP2.

NM_058004.4(PI4KA):c.3251T>C (p.Leu1084Pro)

Gene: PI4KA (phosphatidylinositol 4-kinase alpha; minus strand). Cytogenetic location: 22q11.21.
Variant type: single nucleotide variant.
Coding change: c.3251T>C on transcript NM_058004.4 (MANE Select); coding-DNA position 3251, T replaced by C.
Protein change: p.Leu1084Pro; replaces leucine 1084 with proline.
Molecular consequence: missense variant.
Genome position (GRCh38, 1-based): chr22:20,747,695, A>G on the plus strand (T>C on the coding strand, the complement: PI4KA is on the minus strand). VCF-style: chr22-20747695-A-G. GRCh37 (hg19) VCF-style: chr22-21101983-A-G.
Other names: c.3251T>C, p.Leu1084Pro (NM_001362862.2); c.3185T>C, p.Leu1062Pro (NM_001362863.2); short protein forms L1062P, L1084P.
Identifiers: ClinVar variation 4880217 (VCV004880217.1).